The following is an entry in ClinVar:

NM_001369268.1(ACAN):c.1804A>C (p.Asn602His)

Gene: ACAN (aggrecan; plus strand). Cytogenetic location: 15q26.1.
Variant type: single nucleotide variant.
Coding change: c.1804A>C on transcript NM_001369268.1 (MANE Select); coding-DNA position 1804, A replaced by C.
Protein change: p.Asn602His; replaces asparagine 602 with histidine.
Molecular consequence: missense variant.
Genome position (GRCh38, 1-based): chr15:88,849,509, A>C. VCF-style: chr15-88849509-A-C. GRCh37 (hg19) VCF-style: chr15-89392740-A-C.
Other names: c.1804A>C, p.Asn602His (NM_001135.4, NM_001411096.1, NM_001411097.1 and 1 more transcripts); short protein forms N602H.
Identifiers: ClinVar variation 2091026 (VCV002091026.4), dbSNP rs2505284472, ClinGen allele CA393711452.

ClinVar aggregate classification (germline): Uncertain significance (1 of 4 stars; one submission).

Submission:

Labcorp Genetics (formerly Invitae), Labcorp
Classification: Uncertain significance. Last evaluated: 2025-12-23. Review status: criteria provided, single submitter. Criteria: Invitae Variant Classification Sherloc (09022015). Collection method: clinical testing. Allele origin: germline.
Comment: This sequence change replaces asparagine, which is neutral and polar, with histidine, which is basic and polar, at codon 602 of the ACAN protein (p.Asn602His). This variant is not present in population databases (gnomAD no frequency). This variant has not been reported in the literature in individuals affected with ACAN-related conditions. ClinVar contains an entry for this variant (Variation ID: 2091026). Invitae Evidence Modeling of protein sequence and biophysical properties (such as structural, functional, and spatial information, amino acid conservation, physicochemical variation, residue mobility, and thermodynamic stability) indicates that this missense variant is not expected to disrupt ACAN protein function with a negative predictive value of 80%. In summary, the available evidence is currently insufficient to determine the role of this variant in disease. Therefore, it has been classified as a Variant of Uncertain Significance.